The following is an entry in ClinVar:

NM_000089.4(COL1A2):c.1645C>A (p.Pro549Thr)

Gene: COL1A2 (collagen type I alpha 2 chain; plus strand). Cytogenetic location: 7q21.3.
Variant type: single nucleotide variant.
Coding change: c.1645C>A on transcript NM_000089.4 (MANE Select); coding-DNA position 1645, C replaced by A.
Protein change: p.Pro549Thr; replaces proline 549 with threonine.
Molecular consequence: missense variant.
Genome position (GRCh38, 1-based): chr7:94,413,927, C>A. VCF-style: chr7-94413927-C-A. GRCh37 (hg19) VCF-style: chr7-94043239-C-A.
Other names: short protein forms P549T.
Identifiers: ClinVar variation 3758169 (VCV003758169.2).

ClinVar aggregate classification (germline): Uncertain significance (1 of 4 stars; one submission).

Conditions:
Ehlers-Danlos syndrome, classic type, 1 (EDSCL1). Also called: EHLERS-DANLOS SYNDROME, GRAVIS TYPE; EHLERS-DANLOS SYNDROME, SEVERE CLASSIC TYPE; Ehlers-Danlos syndrome, type 1; Ehlers-Danlos Syndrome, Classic Type, COL5A1-Related; EDS I. Identifiers: MedGen C0268335, MONDO:0019567, OMIM 130000.
Osteogenesis imperfecta type I (OI1). Also called: OI, TYPE I; OSTEOGENESIS IMPERFECTA TARDA; OSTEOGENESIS IMPERFECTA WITH BLUE SCLERAE; Osteogenesis imperfecta type 1; Lobstein's Disease; Lobstein disease. Identifiers: Orphanet 216796, Orphanet 666, MedGen C0023931, MONDO:0008146, OMIM 166200. Disease mechanism: loss of function.

gnomAD v4.1: 6 of 1,613,736 alleles (0.00037%); highest among the groups gnomAD compares: African/African-American, 0.0027%; no homozygotes.

Submission:

Labcorp Genetics (formerly Invitae), Labcorp
Classification: Uncertain significance for Osteogenesis imperfecta type I; Ehlers-Danlos syndrome, classic type, 1. Last evaluated: 2025-02-12. Review status: criteria provided, single submitter. Criteria: Invitae Variant Classification Sherloc (09022015). Collection method: clinical testing. Allele origin: germline.
Comment: This sequence change replaces proline, which is neutral and non-polar, with threonine, which is neutral and polar, at codon 549 of the COL1A2 protein (p.Pro549Thr). This variant is present in population databases (rs42524, gnomAD 0.01%). This variant has not been reported in the literature in individuals affected with COL1A2-related conditions. Invitae Evidence Modeling of protein sequence and biophysical properties (such as structural, functional, and spatial information, amino acid conservation, physicochemical variation, residue mobility, and thermodynamic stability) indicates that this missense variant is not expected to disrupt COL1A2 protein function with a negative predictive value of 95%. In summary, the available evidence is currently insufficient to determine the role of this variant in disease. Therefore, it has been classified as a Variant of Uncertain Significance.